The following is an entry in ClinVar:

NM_052947.4(ALPK2):c.1538A>T (p.Glu513Val)

Gene: ALPK2 (alpha kinase 2; minus strand). Cytogenetic location: 18q21.31.
Variant type: single nucleotide variant.
Coding change: c.1538A>T on transcript NM_052947.4 (MANE Select); coding-DNA position 1538, A replaced by T.
Protein change: p.Glu513Val; replaces glutamic acid 513 with valine.
Molecular consequence: missense variant.
Genome position (GRCh38, 1-based): chr18:58,579,238, T>A on the plus strand (A>T on the coding strand, the complement: ALPK2 is on the minus strand). VCF-style: chr18-58579238-T-A. GRCh37 (hg19) VCF-style: chr18-56246470-T-A.
Other names: short protein forms E513V.
Identifiers: ClinVar variation 2449202 (VCV002449202.2), dbSNP rs2518898876, ClinGen allele CA402562285.

ClinVar aggregate classification (germline): Uncertain significance (1 of 4 stars; one submission).

Submission:

Ambry Genetics
Classification: Uncertain significance. Last evaluated: 2022-11-15. Review status: criteria provided, single submitter. Criteria: Ambry Variant Classification Scheme 2023. Collection method: clinical testing. Allele origin: germline.
Comment: The p.E513V variant (also known as c.1538A>T), located in coding exon 3 of the ALPK2 gene, results from an A to T substitution at nucleotide position 1538. The glutamic acid at codon 513 is replaced by valine, an amino acid with dissimilar properties. This amino acid position is conserved. In addition, this alteration is predicted to be tolerated by in silico analysis. Since supporting evidence is limited at this time, the clinical significance of this alteration remains unclear.